The following is an entry in ClinVar:

NM_031942.5(CDCA7):c.244G>T (p.Val82Leu)

Gene: CDCA7 (cell division cycle associated 7; plus strand). Cytogenetic location: 2q31.1.
Variant type: single nucleotide variant.
Coding change: c.244G>T on transcript NM_031942.5 (MANE Select); coding-DNA position 244, G replaced by T.
Protein change: p.Val82Leu; replaces valine 82 with leucine.
Molecular consequence: missense variant. On other transcripts: intron variant (1).
Genome position (GRCh38, 1-based): chr2:173,359,351, G>T. VCF-style: chr2-173359351-G-T. GRCh37 (hg19) VCF-style: chr2-174224079-G-T.
Other names: c.147+514G>T (NM_145810.3); short protein forms V82L.
Identifiers: ClinVar variation 2128144 (VCV002128144.4), dbSNP rs1175362017, ClinGen allele CA349321571.

ClinVar aggregate classification (germline): Uncertain significance (1 of 4 stars; one submission).

Submission:

Labcorp Genetics (formerly Invitae), Labcorp
Classification: Uncertain significance. Last evaluated: 2022-04-19. Review status: criteria provided, single submitter. Criteria: Invitae Variant Classification Sherloc (09022015). Collection method: clinical testing. Allele origin: germline.
Comment: In summary, the available evidence is currently insufficient to determine the role of this variant in disease. Therefore, it has been classified as a Variant of Uncertain Significance. Algorithms developed to predict the effect of missense changes on protein structure and function are either unavailable or do not agree on the potential impact of this missense change (SIFT: "Deleterious"; PolyPhen-2: "Benign"; Align-GVGD: "Class C0"). This variant has not been reported in the literature in individuals affected with CDCA7-related conditions. This variant is present in population databases (no rsID available, gnomAD 0.003%). This sequence change replaces valine, which is neutral and non-polar, with leucine, which is neutral and non-polar, at codon 82 of the CDCA7 protein (p.Val82Leu).